The following is an entry in ClinVar:

ClinVar aggregate classification (germline): Uncertain significance (1 of 4 stars; one submission).

Conditions:
Hereditary cancer-predisposing syndrome. Also called: Tumor predisposition; Hereditary Cancer Syndrome; Hereditary neoplastic syndrome; Neoplastic Syndromes, Hereditary. Identifiers: Orphanet 140162, MedGen C0027672, MeSH D009386, MONDO:0015356.

Submission:

Ambry Genetics
Classification: Uncertain significance for Hereditary cancer-predisposing syndrome. Last evaluated: 2026-02-05. Review status: criteria provided, single submitter. Criteria: Ambry Variant Classification Scheme 2023. Collection method: clinical testing. Allele origin: germline.
Comment: The c.1474-2A>T intronic variant results from an A to T substitution two nucleotides upstream from coding exon 15 in the POLE gene. Variants that disrupt the canonical splice site are expected to result in aberrant splicing. In silico splice site analysis predicts that this alteration will weaken the native splice acceptor site. A resulting transcript is predicted to be in-frame and is not expected to trigger nonsense-mediated mRNAdecay; although, direct evidence is unavailable. This nucleotide position is highly conserved in available vertebrate species. Based on the available evidence, the clinical significance of this variant remains unclear.

NM_006231.4(POLE):c.1474-2A>T

Gene: POLE (DNA polymerase epsilon, catalytic subunit; minus strand). Cytogenetic location: 12q24.33.
Variant type: single nucleotide variant.
Coding change: c.1474-2A>T on transcript NM_006231.4 (MANE Select); the canonical splice acceptor site of the intron before coding-DNA position 1474, A replaced by T.
Molecular consequence: splice acceptor variant.
Genome position (GRCh38, 1-based): chr12:132,672,841, T>A on the plus strand (A>T on the coding strand, the complement: POLE is on the minus strand). VCF-style: chr12-132672841-T-A. GRCh37 (hg19) VCF-style: chr12-133249427-T-A.
Identifiers: ClinVar variation 1773429 (VCV001773429.3), dbSNP rs750060381, ClinGen allele CA387357851.
Genomic context (GRCh38, chr12:132,672,841, plus strand): 5'-TGGAAGGCCTGCACCATCAGCAAGGCCTCACACAGAGTGCCAGAGCCCTTCCGCAGCACC[T>A]GCAAGAGAAACCAAGGCTTCCAGCCAAAAGCAACACCAAAGGCCCTGACTTGCAGGCAAA-3'